The following is an entry in ClinVar:

ClinVar aggregate classification (germline): Uncertain significance. Review status: criteria provided, multiple submitters, no conflicts (2 of 4 stars). 2 submissions from 2 submitters: Uncertain significance (2). Last evaluated 2025-10-15.

Conditions:
Inborn genetic diseases. Identifiers: MedGen C0950123, MeSH D030342.
Baller-Gerold syndrome (BGS). Also called: CRANIOSYNOSTOSIS WITH RADIAL DEFECTS. Identifiers: Orphanet 1225, MedGen C0265308, MONDO:0009039, OMIM 218600.

Allele frequency attached by ClinVar (database versions not stated): gnomAD exomes 0.00001; TOPMed 0.00002.
gnomAD v4.1: 13 of 1,569,200 alleles (0.00083%); highest among the groups gnomAD compares: African/African-American, 0.0054%; no homozygotes.

Submissions (2):

Labcorp Genetics (formerly Invitae), Labcorp
Classification: Uncertain significance for Baller-Gerold syndrome. Last evaluated: 2025-10-15. Review status: criteria provided, single submitter. Criteria: Invitae Variant Classification Sherloc (09022015). Collection method: clinical testing. Allele origin: germline.
Comment: This sequence change replaces glutamic acid, which is acidic and polar, with lysine, which is basic and polar, at codon 660 of the RECQL4 protein (p.Glu660Lys). The frequency data for this variant in the population databases is considered unreliable, as metrics indicate poor data quality at this position in the gnomAD database. This variant has not been reported in the literature in individuals affected with RECQL4-related conditions. ClinVar contains an entry for this variant (Variation ID: 459362). Invitae Evidence Modeling of protein sequence and biophysical properties (such as structural, functional, and spatial information, amino acid conservation, physicochemical variation, residue mobility, and thermodynamic stability) indicates that this missense variant is not expected to disrupt RECQL4 protein function with a negative predictive value of 80%. In summary, the available evidence is currently insufficient to determine the role of this variant in disease. Therefore, it has been classified as a Variant of Uncertain Significance.

Ambry Genetics
Classification: Uncertain significance for Inborn genetic diseases. Last evaluated: 2024-12-14. Review status: criteria provided, single submitter. Criteria: Ambry Variant Classification Scheme 2023. Collection method: clinical testing. Allele origin: germline.
Comment: The p.E660K variant (also known as c.1978G>A), located in coding exon 12 of the RECQL4 gene, results from a G to A substitution at nucleotide position 1978. The glutamic acid at codon 660 is replaced by lysine, an amino acid with similar properties. This amino acid position is conserved. In addition, this alteration is predicted to be tolerated by in silico analysis. Based on the available evidence, the clinical significance of this variant remains unclear.

NM_004260.4(RECQL4):c.1978G>A (p.Glu660Lys)

Gene: RECQL4 (RecQ like helicase 4; minus strand). Cytogenetic location: 8q24.3.
Variant type: single nucleotide variant.
Coding change: c.1978G>A on transcript NM_004260.4 (MANE Select); coding-DNA position 1978, G replaced by A.
Protein change: p.Glu660Lys; replaces glutamic acid 660 with lysine.
Molecular consequence: missense variant.
Genome position (GRCh38, 1-based): chr8:144,514,008, C>T on the plus strand (G>A on the coding strand, the complement: RECQL4 is on the minus strand). VCF-style: chr8-144514008-C-T. GRCh37 (hg19) VCF-style: chr8-145739392-C-T.
Other names: short protein forms E660K.
Identifiers: ClinVar variation 459362 (VCV000459362.9), dbSNP rs1035926081, ClinGen allele CA187684478.